The following is an entry in ClinVar:

ClinVar aggregate classification (germline): Likely pathogenic (1 of 4 stars; one submission).

Conditions:
Hearing loss, autosomal dominant 37. Also called: DEAFNESS, AUTOSOMAL DOMINANT 37. Identifiers: MedGen C4760307, MONDO:0032802, OMIM 618533.
Fibrochondrogenesis 1 (FBCG1). Identifiers: Orphanet 2021, MedGen C3278138, MONDO:0009226, OMIM 228520.
Stickler syndrome type 2 (STL2). Also called: STICKLER SYNDROME, TYPE II; COL11A1-Related Stickler Syndrome; STICKLER SYNDROME, BEADED VITREOUS TYPE; STICKLER SYNDROME, VITREOUS TYPE 2. Identifiers: Orphanet 828, Orphanet 90654, MedGen C1858084, MONDO:0011493, OMIM 604841.
Marshall syndrome (MRSHS). Identifiers: Orphanet 560, MedGen C0265235, MONDO:0007949, OMIM 154780.
Intervertebral disc disorder (IDD). Also called: Lumbar disk degenerative disorder; INTERVERTEBRAL DISC DISEASE. Identifiers: MedGen C0158252, MONDO:0044339, OMIM 603932.

Submission:

Fulgent Genetics
Classification: Likely pathogenic for Marshall syndrome; Fibrochondrogenesis 1; Intervertebral disc disorder; Stickler syndrome type 2; Hearing loss, autosomal dominant 37. Last evaluated: 2021-06-30. Review status: criteria provided, single submitter. Criteria: ACMG Guidelines, 2015. Collection method: clinical testing. Allele origin: unknown.
Comment: This variant has been detected in individual(s) who were sent for testing of Renasight - kidney gene panel.

NM_001854.4(COL11A1):c.4186G>T (p.Gly1396Cys)

Gene: COL11A1 (collagen type XI alpha 1 chain; minus strand). Cytogenetic location: 1p21.1.
Variant type: single nucleotide variant.
Coding change: c.4186G>T on transcript NM_001854.4 (MANE Select); coding-DNA position 4186, G replaced by T.
Protein change: p.Gly1396Cys; replaces glycine 1396 with cysteine.
Molecular consequence: missense variant. On other transcripts: non-coding transcript variant (1).
Genome position (GRCh38, 1-based): chr1:102,898,728, C>A on the plus strand (G>T on the coding strand, the complement: COL11A1 is on the minus strand). VCF-style: chr1-102898728-C-A. GRCh37 (hg19) VCF-style: chr1-103364284-C-A.
Other names: c.4069G>T, p.Gly1357Cys (NM_001190709.2); c.4222G>T, p.Gly1408Cys (NM_080629.3); c.3838G>T, p.Gly1280Cys (NM_080630.4); short protein forms G1280C, G1357C, G1396C, G1408C.
Identifiers: ClinVar variation 1179083 (VCV001179083.2), dbSNP rs763199410, ClinGen allele CA341155366.